The following is an entry in ClinVar:

NM_001232.4(CASQ2):c.362G>T (p.Arg121Leu)

Gene: CASQ2 (calsequestrin 2; minus strand). Cytogenetic location: 1p13.1.
Variant type: single nucleotide variant.
Coding change: c.362G>T on transcript NM_001232.4 (MANE Select); coding-DNA position 362, G replaced by T.
Protein change: p.Arg121Leu; replaces arginine 121 with leucine.
Molecular consequence: missense variant.
Genome position (GRCh38, 1-based): chr1:115,740,786, C>A on the plus strand (G>T on the coding strand, the complement: CASQ2 is on the minus strand). VCF-style: chr1-115740786-C-A. GRCh37 (hg19) VCF-style: chr1-116283407-C-A.
Other names: short protein forms R121L.
Identifiers: ClinVar variation 1733398 (VCV001733398.2), dbSNP rs759805011, ClinGen allele CA341764458.

ClinVar aggregate classification (germline): Uncertain significance (1 of 4 stars; one submission).

Conditions:
Cardiovascular phenotype. Identifiers: MedGen CN230736.

gnomAD v4.1: 5 of 1,613,304 alleles (0.00031%); highest among the groups gnomAD compares: Non-Finnish European, 0.00042%; no homozygotes.

Submission:

Ambry Genetics
Classification: Uncertain significance for Cardiovascular phenotype. Last evaluated: 2022-02-04. Review status: criteria provided, single submitter. Criteria: Ambry Variant Classification Scheme 2023. Collection method: clinical testing. Allele origin: germline.
Comment: The p.R121L variant (also known as c.362G>T), located in coding exon 3 of the CASQ2 gene, results from a G to T substitution at nucleotide position 362. The arginine at codon 121 is replaced by leucine, an amino acid with dissimilar properties. This amino acid position is conserved. In addition, the in silico prediction for this alteration is inconclusive. Since supporting evidence is limited at this time, the clinical significance of this alteration remains unclear.